The following is an entry in ClinVar:

NM_000023.4(SGCA):c.37+2C>G

Gene: SGCA (sarcoglycan alpha; plus strand). Cytogenetic location: 17q21.33.
Variant type: single nucleotide variant.
Coding change: c.37+2C>G on transcript NM_000023.4 (MANE Select); the canonical splice donor site of the intron after coding-DNA position 37, C replaced by G.
Molecular consequence: splice donor variant.
Genome position (GRCh38, 1-based): chr17:50,166,079, C>G. VCF-style: chr17-50166079-C-G. GRCh37 (hg19) VCF-style: chr17-48243440-C-G.
Other names: c.37+2C>G (NM_000023.3, NM_001135697.3).
Identifiers: ClinVar variation 501790 (VCV000501790.7), dbSNP rs112500642, ClinGen allele CA291568979.

ClinVar aggregate classification (germline): Pathogenic/Likely pathogenic. Review status: criteria provided, multiple submitters, no conflicts (2 of 4 stars). 3 submissions from 3 submitters: Pathogenic (2); Likely pathogenic (1). Last evaluated 2025-08-30.

Conditions:
Autosomal recessive limb-girdle muscular dystrophy type 2D (LGMDR3). Also called: MUSCULAR DYSTROPHY, LIMB-GIRDLE, AUTOSOMAL RECESSIVE 3; ADHALINOPATHY, PRIMARY; DUCHENNE-LIKE AUTOSOMAL RECESSIVE MUSCULAR DYSTROPHY, TYPE 2. Identifiers: Orphanet 62, MedGen C2936332, MONDO:0011968, OMIM 608099. Disease mechanism: Affects gamma-sarcoglycan and also disrupts the integrity of the entire sarcoglycan complex..

Allele frequency attached by ClinVar (database versions not stated): gnomAD exomes below 0.00001.
gnomAD v4.1: 2 of 1,612,758 alleles (0.00012%); highest among the groups gnomAD compares: Non-Finnish European, 0.00017%; no homozygotes.

Submissions (3):

Natera, Inc.
Classification: Pathogenic for Limb-girdle muscular dystrophy type 2D. Last evaluated: 2025-08-30. Review status: criteria provided, single submitter. Criteria: Natera Variant Classification Schema (03/2026). Collection method: clinical testing. Allele origin: germline.
Comment: The c.37+2C>G variant in SGCA is a canonical splice donor site variant predicted to affect pre-mRNA splicing, which may result in an abnormal transcript and altered protein product. This variant is expected to result in nonsense mediated decay, truncation, or a dysfunctional protein product. This variant is rare in the general population with a frequency below the threshold expected for the associated phenotype(s). Another variant at this same site results in an alteration predicted to cause a similar molecular effect has been observed in individual(s) with the associated phenotype. Given the available evidence, this variant is classified as Pathogenic.

Baylor Genetics
Classification: Likely pathogenic for Autosomal recessive limb-girdle muscular dystrophy type 2D. Last evaluated: 2023-06-22. Review status: criteria provided, single submitter. Criteria: ACMG Guidelines, 2015. Collection method: clinical testing. Allele origin: unknown.

Eurofins Ntd Llc (ga)
Classification: Pathogenic. Last evaluated: 2017-05-04. Review status: criteria provided, single submitter. Criteria: EGL Classification Definitions 2015. Collection method: clinical testing. Allele origin: germline. Observed: 1 variant allele, 1 heterozygote.